The following is an entry in ClinVar:

ClinVar aggregate classification (germline): Benign/Likely benign. Review status: criteria provided, multiple submitters, no conflicts (2 of 4 stars). 6 submissions from 6 submitters: Benign (4); Likely benign (1). 1 of the submissions does not count toward it. Last evaluated 2026-02-04.

Conditions:
JAK1-related disorder. Also called: JAK1-related condition.

Allele frequency attached by ClinVar (database versions not stated): 1000 Genomes Project 0.03874; 1000 Genomes Project 30x 0.03935; ESP Exome Variant Server 0.04415; gnomAD 0.05249 and 0.05311; TOPMed 0.05734; ExAC 0.06159; gnomAD exomes 0.06522 and 0.06650.
gnomAD v4.1: 102,845 of 1,614,064 alleles (6.4%); highest among the groups gnomAD compares: Admixed American, 16%; 4,051 homozygotes.

Submissions (6):

Labcorp Genetics (formerly Invitae), Labcorp
Classification: Benign. Last evaluated: 2026-02-04. Review status: criteria provided, single submitter. Criteria: Invitae Variant Classification Sherloc (09022015). Collection method: clinical testing. Allele origin: germline.

Blueprint Genetics
Classification: Likely benign. Last evaluated: 2024-11-26. Review status: criteria provided, single submitter. Criteria: ACMG Guidelines, 2015. Collection method: clinical testing. Allele origin: germline.

Unidad de Genómica Garrahan, Hospital de Pediatría Garrahan
Classification: Benign. Last evaluated: 2023-11-12. Review status: criteria provided, single submitter. Criteria: ACMG Guidelines, 2015. Collection method: clinical testing. Allele origin: germline. Affected: no. Observed: 26 variant alleles.
Comment: This variant is classified as Benign based on local population frequency. This variant was detected in 27% of patients studied by a panel of primary immunodeficiencies. Number of patients: 26. Only high quality variants are reported.

Mayo Clinic Laboratories, Mayo Clinic
Classification: Benign. Last evaluated: 2023-04-16. Review status: criteria provided, single submitter. Criteria: ACMG Guidelines, 2015. Collection method: clinical testing. Allele origin: germline. Observed: 67 variant alleles.

Breakthrough Genomics
Classification: Benign. Review status: criteria provided, single submitter. Criteria: ACMG Guidelines, 2015. Collection method: not provided. Allele origin: germline. Inheritance: Autosomal dominant inheritance. Affected: yes.

PreventionGenetics, part of Exact Sciences
Classification: Benign for JAK1-related condition. Last evaluated: 2019-06-27. Review status: no assertion criteria provided. Collection method: clinical testing. Allele origin: germline. Not counted in ClinVar's aggregate classification.
Comment: This variant is classified as benign based on ACMG/AMP sequence variant interpretation guidelines (Richards et al. 2015 PMID: 25741868, with internal and published modifications).

NM_002227.4(JAK1):c.1590C>T (p.Ile530=)

Gene: JAK1 (Janus kinase 1; minus strand). Cytogenetic location: 1p31.3.
Variant type: single nucleotide variant.
Coding change: c.1590C>T on transcript NM_002227.4 (MANE Select); coding-DNA position 1590, C replaced by T.
Protein change: p.Ile530=; no amino-acid change (isoleucine 530 retained).
Molecular consequence: synonymous variant.
Genome position (GRCh38, 1-based): chr1:64,855,567, G>A on the plus strand (C>T on the coding strand, the complement: JAK1 is on the minus strand). VCF-style: chr1-64855567-G-A. GRCh37 (hg19) VCF-style: chr1-65321250-G-A.
Other names: p.Ile530=; c.1590C>T, p.Ile530= (NM_001320923.2, NM_001321852.2, NM_001321853.2 and 3 more transcripts); c.1587C>T, p.Ile529= (NM_001321857.2); c.1590C>T (NM_002227.3).
Identifiers: ClinVar variation 1166649 (VCV001166649.16), dbSNP rs2230586, ClinGen allele CA892892.